The following is an entry in ClinVar:

ClinVar aggregate classification (germline): Benign/Likely benign. Review status: criteria provided, multiple submitters, no conflicts (2 of 4 stars). 5 submissions from 5 submitters: Benign (1); Likely benign (3). 1 of the submissions does not count toward it. Last evaluated 2025-12-08.

Conditions:
Cardiomyopathy (CMYO). Also called: Cardiomyopathies. Identifiers: Orphanet 167848, MedGen C0878544, MONDO:0004994, HP:0001638. Inheritance: Various modes of inheritance.
Dystrophin deficiency.
Duchenne muscular dystrophy (DMD). Also called: Duchenne Muscular Dystrophy (DMD); MUSCULAR DYSTROPHY, PSEUDOHYPERTROPHIC PROGRESSIVE, DUCHENNE TYPE. Identifiers: Orphanet 98896, MedGen C0013264, MONDO:0010679, OMIM 310200.
Becker muscular dystrophy (BMD). Also called: MUSCULAR DYSTROPHY, PSEUDOHYPERTROPHIC PROGRESSIVE, BECKER TYPE; Becker Muscular Dystrophy (BMD). Identifiers: Orphanet 98895, MedGen C0917713, MONDO:0010311, OMIM 300376.
Cardiovascular phenotype. Identifiers: MedGen CN230736.

Allele frequency attached by ClinVar (database versions not stated): gnomAD exomes 0.00002 and 0.00012; gnomAD 0.00005; ExAC 0.00007; TOPMed 0.00008.
gnomAD v4.1: 28 of 1,204,239 alleles (0.0023%); highest among the groups gnomAD compares: East Asian, 0.053%; no homozygotes.

Submissions (5):

Labcorp Genetics (formerly Invitae), Labcorp
Classification: Likely benign for Duchenne muscular dystrophy. Last evaluated: 2025-12-08. Review status: criteria provided, single submitter. Criteria: Invitae Variant Classification Sherloc (09022015). Collection method: clinical testing. Allele origin: germline.

Blueprint Genetics
Classification: Likely benign. Last evaluated: 2024-04-09. Review status: criteria provided, single submitter. Criteria: ACMG Guidelines, 2015. Collection method: clinical testing. Allele origin: germline.

Ambry Genetics
Classification: Benign for Cardiovascular phenotype. Last evaluated: 2021-02-12. Review status: criteria provided, single submitter. Criteria: Ambry Variant Classification Scheme 2023. Collection method: clinical testing. Allele origin: germline.

GeneDx
Classification: Likely benign. Last evaluated: 2017-11-29. Review status: criteria provided, single submitter. Criteria: GeneDx Variant Classification (06012015). Collection method: clinical testing. Allele origin: germline. Affected: yes.
Comment: This variant is considered likely benign or benign based on one or more of the following criteria: it is a conservative change, it occurs at a poorly conserved position in the protein, it is predicted to be benign by multiple in silico algorithms, and/or has population frequency not consistent with disease.

Natera, Inc.
Classification: Likely benign for Becker muscular dystrophy; Cardiomyopathy; Duchenne muscular dystrophy; Dystrophin deficiency. Last evaluated: 2020-04-11. Review status: no assertion criteria provided. Collection method: clinical testing. Allele origin: germline. Not counted in ClinVar's aggregate classification.

NM_004006.3(DMD):c.10224T>A (p.Thr3408=)

Gene: DMD (dystrophin; minus strand). Cytogenetic location: Xp21.2.
Variant type: single nucleotide variant.
Coding change: c.10224T>A on transcript NM_004006.3 (MANE Select); coding-DNA position 10224, T replaced by A.
Protein change: p.Thr3408=; no amino-acid change (threonine 3408 retained).
Molecular consequence: synonymous variant. On other transcripts: intron variant (5).
Genome position (GRCh38, 1-based): chrX:31,177,970, A>T on the plus strand (T>A on the coding strand, the complement: DMD is on the minus strand). VCF-style: chrX-31177970-A-T. GRCh37 (hg19) VCF-style: chrX-31196087-A-T.
Other names: c.10200T>A, p.Thr3400= (NM_000109.4); c.10212T>A, p.Thr3404= (NM_004009.3); c.9855T>A, p.Thr3285= (NM_004010.3); c.6201T>A, p.Thr2067= (NM_004011.4); c.6192T>A, p.Thr2064= (NM_004012.4); c.2844T>A, p.Thr948= (NM_004013.3, NM_004021.3); c.2037T>A, p.Thr679= (NM_004014.3); c.1020T>A, p.Thr340= (NM_004015.3, NM_004016.3); and 2 more.
Identifiers: ClinVar variation 415859 (VCV000415859.16), dbSNP rs774389538, ClinGen allele CA10377658.